The following is an entry in ClinVar:

ClinVar aggregate classification (germline): Uncertain significance. Review status: criteria provided, single submitter (1 of 4 stars). 2 submissions from 2 submitters: Uncertain significance (1). 1 of the submissions does not count toward it. Last evaluated 2025-04-22.

Conditions:
Pulp calcification. Also called: Dental Pulp Stone; Pulp stones. Identifiers: Orphanet 1653, MedGen C1527284, HP:0003771. Disease mechanism: loss of function.

Submissions (2):

Institute of Human Genetics, University of Goettingen
Classification: Uncertain significance for Dentin dysplasia type II. Last evaluated: 2025-04-22. Review status: criteria provided, single submitter. Criteria: ACMG Guidelines, 2015. Collection method: clinical testing. Allele origin: unknown. Inheritance: Autosomal dominant inheritance. Affected: yes.
Comment: Described as pathogenic for dentin dysplasia (HGMD CM022205; Rajpar (2002) Hum Mol Genet 11: 2559 PubMed: 12354781)). Not in gnomAD. Predicted damaging by REVEL (score 0.63). ACMG criteria: PM_sup, PP3. The variant was reported as VUS according to ACMG criteria.

OMIM
Classification: Pathogenic for DENTIN DYSPLASIA, TYPE II. Last evaluated: 2002-10-01. Review status: no assertion criteria provided. Collection method: literature only. Allele origin: germline. Not counted in ClinVar's aggregate classification.

Literature cited by the submitters: PubMed 12354781 (cited by OMIM).

NM_014208.3(DSPP):c.16T>G (p.Tyr6Asp)

Genes: DMP1-AS1 (DMP1 and DSPP antisense RNA 1; minus strand), DSPP (dentin sialophosphoprotein; plus strand). Cytogenetic location: 4q22.1.
Variant type: single nucleotide variant.
Coding change: c.16T>G on transcript NM_014208.3 (MANE Select); coding-DNA position 16, T replaced by G.
Protein change: p.Tyr6Asp; replaces tyrosine 6 with aspartic acid.
Molecular consequence: missense variant.
Genome position (GRCh38, 1-based): chr4:87,610,924, T>G. VCF-style: chr4-87610924-T-G. GRCh37 (hg19) VCF-style: chr4-88532076-T-G.
Other names: D6Y; c.16T>G, p.Tyr6Asp (LRG_1242t1); short protein forms Y6D.
Identifiers: ClinVar variation 16857 (VCV000016857.2), dbSNP rs121912988, ClinGen allele CA126928.